The following is an entry in ClinVar:

NM_001042492.3(NF1):c.3214dup (p.Ser1072fs)

Gene: NF1 (neurofibromin 1; plus strand). Cytogenetic location: 17q11.2.
Variant type: Duplication.
Coding change: c.3214dup on transcript NM_001042492.3 (MANE Select); coding-DNA position 3214, one base duplicated (A; older notation c.3214dupA).
Protein change: p.Ser1072fs; shifts the reading frame from serine 1072.
Molecular consequence: frameshift variant.
Genome position (GRCh38, 1-based): chr17:31,232,089, A duplicated; the last of 2 consecutive A bases (chr17:31,232,088-31,232,089); duplicating either gives the same sequence. VCF-style (leftmost placement, unchanged base first): chr17-31232087-C-CA. GRCh37 (hg19) VCF-style: chr17-29559105-C-CA.
Other names: c.3214dupA (NM_000267.3); c.3214dup, p.Ser1072Lysfs (NM_000267.4); short protein forms S1072fs.
Identifiers: ClinVar variation 457634 (VCV000457634.5), dbSNP rs1555614825, ClinGen allele CA658656574.
Genomic context (GRCh38, chr17:31,232,087, plus strand): 5'-GATTCATGGTCTCTAAATTTTTTTTTTTTTTTTTTTTTTTTTTCAGAGATTTGGACCAGG[C>CA]AAGCATGGAAGCAGTAGTTTCACTTCTAGCTGGTCTCCCTCTGCAGCCTGAAGAAGGAGA-3'

ClinVar aggregate classification (germline): Pathogenic (1 of 4 stars; one submission).

Conditions:
Neurofibromatosis, type 1 (NF1). Also called: VON RECKLINGHAUSEN DISEASE; NEUROFIBROMATOSIS, TYPE I, SOMATIC; Peripheral type neurofibromatosis; Neurofibromatosis, type I. Identifiers: Orphanet 636, MedGen C0027831, MONDO:0018975, OMIM 162200. Disease mechanism: loss of function.

Submission:

Labcorp Genetics (formerly Invitae), Labcorp
Classification: Pathogenic for Neurofibromatosis, type 1. Last evaluated: 2021-04-16. Review status: criteria provided, single submitter. Criteria: Invitae Variant Classification Sherloc (09022015). Collection method: clinical testing. Allele origin: germline.
Comment: For these reasons, this variant has been classified as Pathogenic. This variant has not been reported in the literature in individuals with NF1-related conditions. ClinVar contains an entry for this variant (Variation ID: 457634). This variant is not present in population databases (ExAC no frequency). This sequence change creates a premature translational stop signal (p.Ser1072Lysfs*17) in the NF1 gene. It is expected to result in an absent or disrupted protein product. Loss-of-function variants in NF1 are known to be pathogenic (PMID: 10712197, 23913538).

Literature cited by the submitters: PubMed 10712197; PubMed 23913538.